The following is an entry in ClinVar:

ClinVar aggregate classification (germline): Uncertain significance (1 of 4 stars; one submission).

Conditions:
Cardiomyopathy (CMYO). Also called: Cardiomyopathies. Identifiers: Orphanet 167848, MedGen C0878544, MONDO:0004994, HP:0001638. Inheritance: Various modes of inheritance.

Submission:

Color Diagnostics, LLC DBA Color Health
Classification: Uncertain significance for Cardiomyopathy. Last evaluated: 2024-03-07. Review status: criteria provided, single submitter. Criteria: ACMG Guidelines, 2015. Collection method: clinical testing. Allele origin: germline.
Comment: This missense variant replaces proline with serine at codon 416 of the PRKAG2 protein. Computational prediction is inconclusive regarding the impact of this variant on protein structure and function (internally defined REVEL score threshold 0.5 < inconclusive < 0.7, PMID: 27666373). To our knowledge, functional studies have not been reported for this variant. This variant has not been reported in individuals affected with PRKAG2-related disorders in the literature. This variant has not been identified in the general population by the Genome Aggregation Database (gnomAD). The available evidence is insufficient to determine the role of this variant in disease conclusively. Therefore, this variant is classified as a Variant of Uncertain Significance.

NM_016203.4(PRKAG2):c.1246C>T (p.Pro416Ser)

Gene: PRKAG2 (protein kinase AMP-activated non-catalytic subunit gamma 2; minus strand). Cytogenetic location: 7q36.1.
Variant type: single nucleotide variant.
Coding change: c.1246C>T on transcript NM_016203.4 (MANE Select); coding-DNA position 1246, C replaced by T.
Protein change: p.Pro416Ser; replaces proline 416 with serine.
Molecular consequence: missense variant.
Genome position (GRCh38, 1-based): chr7:151,565,873, G>A on the plus strand (C>T on the coding strand, the complement: PRKAG2 is on the minus strand). VCF-style: chr7-151565873-G-A. GRCh37 (hg19) VCF-style: chr7-151262959-G-A.
Other names: c.1114C>T, p.Pro372Ser (NM_001040633.2, NM_001407024.1); c.871C>T, p.Pro291Ser (NM_001304527.2, NM_001407029.1); c.523C>T, p.Pro175Ser (NM_001304531.2, NM_001407034.1, NM_001407035.1 and 1 more transcripts); c.874C>T, p.Pro292Ser (NM_001363698.2, NM_001407028.1); c.1246C>T, p.Pro416Ser (NM_001407021.1); c.1243C>T, p.Pro415Ser (NM_001407022.1, NM_001407023.1); c.1111C>T, p.Pro371Ser (NM_001407026.1, NM_001407027.1); c.958C>T, p.Pro320Ser (NM_001407030.1); and 6 more; short protein forms P191S, P292S, P310S, P319S, P174S, P195S, P320S, P371S.
Identifiers: ClinVar variation 2774165 (VCV002774165.2), dbSNP rs2536297897, ClinGen allele CA370071286.